The following is an entry in ClinVar:

ClinVar aggregate classification (germline): Likely benign (1 of 4 stars; one submission).

gnomAD v4.1: 216 of 1,614,090 alleles (0.013%); highest among the groups gnomAD compares: African/African-American, 0.26%; no homozygotes.

Submission:

CeGaT Center for Human Genetics Tuebingen
Classification: Likely benign. Last evaluated: 2025-02-01. Review status: criteria provided, single submitter. Criteria: CeGaT Center For Human Genetics Tuebingen Variant Classification Criteria Version 2. Collection method: clinical testing. Allele origin: germline. Affected: yes. Observed: 1 variant allele.
Comment: TYMS: BP4, BP7

NM_001071.4(TYMS):c.669G>A (p.Val223=)

Genes: ENOSF1 (enolase superfamily member 1; minus strand), TYMS (thymidylate synthetase; plus strand). Cytogenetic location: 18p11.32.
Variant type: single nucleotide variant.
Coding change: c.669G>A on transcript NM_001071.4 (MANE Select); coding-DNA position 669, G replaced by A.
Protein change: p.Val223=; no amino-acid change (valine 223 retained).
Molecular consequence: synonymous variant. On other transcripts: 3 prime UTR variant (7), non-coding transcript variant (7).
Genome position (GRCh38, 1-based): chr18:670,804, G>A. VCF-style: chr18-670804-G-A. GRCh37 (hg19) VCF-style: chr18-670804-G-A.
Other names: c.*3501C>T (NM_001318760.2, NM_001354065.2, NM_001354066.2 and 4 more transcripts); c.567G>A, p.Val189= (NM_001354867.2); c.420G>A, p.Val140= (NM_001354868.2).
Identifiers: ClinVar variation 3770695 (VCV003770695.13).